The following is an entry in ClinVar:

NM_001170629.2(CHD8):c.7549C>T (p.Pro2517Ser)

Gene: CHD8 (chromodomain helicase DNA binding protein 8; minus strand). Cytogenetic location: 14q11.2.
Variant type: single nucleotide variant.
Coding change: c.7549C>T on transcript NM_001170629.2 (MANE Select); coding-DNA position 7549, C replaced by T.
Protein change: p.Pro2517Ser; replaces proline 2517 with serine.
Molecular consequence: missense variant.
Genome position (GRCh38, 1-based): chr14:21,385,810, G>A on the plus strand (C>T on the coding strand, the complement: CHD8 is on the minus strand). VCF-style: chr14-21385810-G-A. GRCh37 (hg19) VCF-style: chr14-21853969-G-A.
Other names: c.6712C>T, p.Pro2238Ser (NM_020920.4); c.7549C>T (NM_001170629.1); short protein forms P2238S, P2517S.
Identifiers: ClinVar variation 2985181 (VCV002985181.4), dbSNP rs528440864, ClinGen allele CA7090531.

ClinVar aggregate classification (germline): Uncertain significance. Review status: criteria provided, multiple submitters, no conflicts (2 of 4 stars). 2 submissions from 2 submitters: Uncertain significance (2). Last evaluated 2024-10-23.

Conditions:
Inborn genetic diseases. Identifiers: MedGen C0950123, MeSH D030342.

Allele frequency attached by ClinVar (database versions not stated): gnomAD 0.00001; ExAC 0.00005; 1000 Genomes Project 0.00020; 1000 Genomes Project 30x 0.00031.
gnomAD v4.1: 1 of 1,550,740 alleles (0.000064%); highest among the groups gnomAD compares: African/African-American, 0.0014%; no homozygotes.

Submissions (2):

Ambry Genetics
Classification: Uncertain significance for Inborn genetic diseases. Last evaluated: 2024-10-23. Review status: criteria provided, single submitter. Criteria: Ambry Variant Classification Scheme 2023. Collection method: clinical testing. Allele origin: germline.

Labcorp Genetics (formerly Invitae), Labcorp
Classification: Uncertain significance. Last evaluated: 2023-01-09. Review status: criteria provided, single submitter. Criteria: Invitae Variant Classification Sherloc (09022015). Collection method: clinical testing. Allele origin: germline.
Comment: In summary, the available evidence is currently insufficient to determine the role of this variant in disease. Therefore, it has been classified as a Variant of Uncertain Significance. Algorithms developed to predict the effect of missense changes on protein structure and function are either unavailable or do not agree on the potential impact of this missense change (SIFT: "Tolerated"; PolyPhen-2: "Possibly Damaging"; Align-GVGD: "Class C0"). This variant has not been reported in the literature in individuals affected with CHD8-related conditions. This variant is present in population databases (rs528440864, gnomAD 0.01%). This sequence change replaces proline, which is neutral and non-polar, with serine, which is neutral and polar, at codon 2517 of the CHD8 protein (p.Pro2517Ser).